The following is an entry in ClinVar:

ClinVar aggregate classification (germline): Uncertain significance. Review status: criteria provided, multiple submitters, no conflicts (2 of 4 stars). 2 submissions from 2 submitters: Uncertain significance (2). Last evaluated 2025-04-29.

Conditions:
Inborn genetic diseases. Identifiers: MedGen C0950123, MeSH D030342.

Allele frequency attached by ClinVar (database versions not stated): TOPMed 0.00016; gnomAD 0.00017; 1000 Genomes Project 30x 0.00031; gnomAD exomes 0.00006; ESP Exome Variant Server 0.00008; 1000 Genomes Project 0.00020; ExAC 0.00014.
gnomAD v4.1: 110 of 1,613,152 alleles (0.0068%); highest among the groups gnomAD compares: African/African-American, 0.025%; no homozygotes.

Submissions (2):

Ambry Genetics
Classification: Uncertain significance for Inborn genetic diseases. Last evaluated: 2025-04-29. Review status: criteria provided, single submitter. Criteria: Ambry Variant Classification Scheme 2023. Collection method: clinical testing. Allele origin: germline.

Labcorp Genetics (formerly Invitae), Labcorp
Classification: Uncertain significance. Last evaluated: 2022-03-12. Review status: criteria provided, single submitter. Criteria: Invitae Variant Classification Sherloc (09022015). Collection method: clinical testing. Allele origin: germline.
Comment: This variant is present in population databases (rs145968075, gnomAD 0.05%). In summary, the available evidence is currently insufficient to determine the role of this variant in disease. Therefore, it has been classified as a Variant of Uncertain Significance. Algorithms developed to predict the effect of missense changes on protein structure and function are either unavailable or do not agree on the potential impact of this missense change (SIFT: "Deleterious"; PolyPhen-2: "Benign"; Align-GVGD: "Class C55"). This variant has not been reported in the literature in individuals affected with H6PD-related conditions. This sequence change replaces glutamic acid, which is acidic and polar, with lysine, which is basic and polar, at codon 665 of the H6PD protein (p.Glu665Lys).

NM_004285.4(H6PD):c.1993G>A (p.Glu665Lys)

Gene: H6PD (hexose-6-phosphate dehydrogenase/glucose 1-dehydrogenase; plus strand). Cytogenetic location: 1p36.22.
Variant type: single nucleotide variant.
Coding change: c.1993G>A on transcript NM_004285.4 (MANE Select); coding-DNA position 1993, G replaced by A.
Protein change: p.Glu665Lys; replaces glutamic acid 665 with lysine.
Molecular consequence: missense variant.
Genome position (GRCh38, 1-based): chr1:9,264,486, G>A. VCF-style: chr1-9264486-G-A. GRCh37 (hg19) VCF-style: chr1-9324545-G-A.
Other names: c.2026G>A, p.Glu676Lys (NM_001282587.2); c.1993G>A (NM_004285.3); short protein forms E676K, E665K.
Identifiers: ClinVar variation 2044883 (VCV002044883.6), dbSNP rs145968075, ClinGen allele CA575491.
Genomic context (GRCh38, chr1:9,264,486, plus strand): 5'-CGGATCCCCTACTACAACATCCACCCCATGCCTGTGCACCTGCAGCAGCGGCTCTGCGCC[G>A]AGGAGGACCAGGGCGCCCAGATCTATGCCAGGGAGATCTCAGCCCTGGTGGCCAACAGCA-3'
Protein context (NP_004276.2, residues 655-675): PVHLQQRLCA[Glu665Lys]EDQGAQIYAR